The following is an entry in ClinVar:

NM_000219.6(KCNE1):c.307T>C (p.Tyr103His)

Gene: KCNE1 (potassium voltage-gated channel subfamily E regulatory subunit 1; minus strand). Cytogenetic location: 21q22.12.
Variant type: single nucleotide variant.
Coding change: c.307T>C on transcript NM_000219.6 (MANE Select); coding-DNA position 307, T replaced by C.
Protein change: p.Tyr103His; replaces tyrosine 103 with histidine.
Molecular consequence: missense variant.
Genome position (GRCh38, 1-based): chr21:34,449,328, A>G on the plus strand (T>C on the coding strand, the complement: KCNE1 is on the minus strand). VCF-style: chr21-34449328-A-G. GRCh37 (hg19) VCF-style: chr21-35821626-A-G.
Other names: c.307T>C, p.Tyr103His (NM_001127668.4, NM_001127669.4, NM_001127670.4 and 4 more transcripts); short protein forms Y103H.
Identifiers: ClinVar variation 3374593 (VCV003374593.2).

Conditions:
Long QT syndrome 5 (LQT5). Identifiers: Orphanet 101016, Orphanet 768, MedGen C1867904, MONDO:0013372, OMIM 613695.

Submission:

Roden Lab, Vanderbilt University Medical Center
No classification provided (evidence only). Condition: Long QT syndrome 5. Review status: no classification provided. Collection method: in vitro. Allele origin: not applicable. Functional consequence: Effect on ion channel function.
ClinVar note: "not provided" was previously submitted as the classification for the variant. However, the classification appeared to be based only on an observation of functional data so it was converted to no classification on 2025-07-30.